The following is an entry in ClinVar:

NM_000522.5(HOXA13):c.470C>T (p.Ser157Leu)

Genes: HOXA13 (homeobox A13; minus strand), LOC107126288 (NUP98-HOXA13 recombination region; plus strand). Cytogenetic location: 7p15.2.
Variant type: single nucleotide variant.
Coding change: c.470C>T on transcript NM_000522.5 (MANE Select); coding-DNA position 470, C replaced by T.
Protein change: p.Ser157Leu; replaces serine 157 with leucine.
Molecular consequence: missense variant.
Genome position (GRCh38, 1-based): chr7:27,199,608, G>A on the plus strand (C>T on the coding strand, the complement: HOXA13 is on the minus strand). VCF-style: chr7-27199608-G-A. GRCh37 (hg19) VCF-style: chr7-27239227-G-A.
Other names: short protein forms S157L.
Identifiers: ClinVar variation 2085888 (VCV002085888.4), dbSNP rs999293422, ClinGen allele CA155875448.

ClinVar aggregate classification (germline): Uncertain significance (1 of 4 stars; one submission).

gnomAD v4.1: 2 of 1,479,142 alleles (0.00014%); highest among the groups gnomAD compares: Non-Finnish European, 0.00018%; no homozygotes.

Submission:

Labcorp Genetics (formerly Invitae), Labcorp
Classification: Uncertain significance. Last evaluated: 2025-06-12. Review status: criteria provided, single submitter. Criteria: Invitae Variant Classification Sherloc (09022015). Collection method: clinical testing. Allele origin: germline.
Comment: This sequence change replaces serine, which is neutral and polar, with leucine, which is neutral and non-polar, at codon 157 of the HOXA13 protein (p.Ser157Leu). This variant is not present in population databases (gnomAD no frequency). This variant has not been reported in the literature in individuals affected with HOXA13-related conditions. ClinVar contains an entry for this variant (Variation ID: 2085888). Invitae Evidence Modeling of protein sequence and biophysical properties (such as structural, functional, and spatial information, amino acid conservation, physicochemical variation, residue mobility, and thermodynamic stability) indicates that this missense variant is not expected to disrupt HOXA13 protein function with a negative predictive value of 80%. In summary, the available evidence is currently insufficient to determine the role of this variant in disease. Therefore, it has been classified as a Variant of Uncertain Significance.